The following is an entry in ClinVar:

ClinVar aggregate classification (germline): Uncertain significance (1 of 4 stars; one submission).

Conditions:
Familial temporal lobe epilepsy 7. Identifiers: Orphanet 101046, MedGen C4225327, MONDO:0014639, OMIM 616436.
Norman-Roberts syndrome (LIS2). Also called: Lissencephaly 2 (Norman-Roberts type). Identifiers: Orphanet 89844, MedGen C0796089, MONDO:0009760, OMIM 257320.

Allele frequency attached by ClinVar (database versions not stated): ExAC 0.00001; TOPMed 0.00001.
gnomAD v4.1: 2 of 1,613,880 alleles (0.00012%); highest among the groups gnomAD compares: Admixed American, 0.0033%; no homozygotes.

Submission:

Labcorp Genetics (formerly Invitae), Labcorp
Classification: Uncertain significance for Familial temporal lobe epilepsy 7; Norman-Roberts syndrome. Last evaluated: 2024-03-07. Review status: criteria provided, single submitter. Criteria: Invitae Variant Classification Sherloc (09022015). Collection method: clinical testing. Allele origin: germline.
Comment: This sequence change replaces methionine, which is neutral and non-polar, with threonine, which is neutral and polar, at codon 920 of the RELN protein (p.Met920Thr). This variant is present in population databases (rs748576911, gnomAD 0.006%). This variant has not been reported in the literature in individuals affected with RELN-related conditions. ClinVar contains an entry for this variant (Variation ID: 1981699). Advanced modeling of protein sequence and biophysical properties (such as structural, functional, and spatial information, amino acid conservation, physicochemical variation, residue mobility, and thermodynamic stability) performed at Invitae indicates that this missense variant is not expected to disrupt RELN protein function with a negative predictive value of 80%. In summary, the available evidence is currently insufficient to determine the role of this variant in disease. Therefore, it has been classified as a Variant of Uncertain Significance.

NM_005045.4(RELN):c.2759T>C (p.Met920Thr)

Gene: RELN (reelin; minus strand). Cytogenetic location: 7q22.1.
Variant type: single nucleotide variant.
Coding change: c.2759T>C on transcript NM_005045.4 (MANE Select); coding-DNA position 2759, T replaced by C.
Protein change: p.Met920Thr; replaces methionine 920 with threonine.
Molecular consequence: missense variant.
Genome position (GRCh38, 1-based): chr7:103,611,747, A>G on the plus strand (T>C on the coding strand, the complement: RELN is on the minus strand). VCF-style: chr7-103611747-A-G. GRCh37 (hg19) VCF-style: chr7-103252194-A-G.
Other names: c.2759T>C, p.Met920Thr (NM_173054.3); short protein forms M920T.
Identifiers: ClinVar variation 1981699 (VCV001981699.4), dbSNP rs748576911, ClinGen allele CA4421930.